The following is an entry in ClinVar:

ClinVar aggregate classification (germline): Pathogenic. Review status: criteria provided, multiple submitters, no conflicts (2 of 4 stars). 3 submissions from 3 submitters: Pathogenic (3). Last evaluated 2022-02-11.

Conditions:
DICER1-related tumor predisposition. Also called: DICER1 syndrome; DICER1-related pleuropulmonary blastoma cancer predisposition syndrome. Identifiers: Orphanet 284343, MedGen C3839822, MONDO:0100216.
Hereditary cancer-predisposing syndrome. Also called: Tumor predisposition; Hereditary Cancer Syndrome; Neoplastic Syndromes, Hereditary; Hereditary neoplastic syndrome. Identifiers: Orphanet 140162, MedGen C0027672, MeSH D009386, MONDO:0015356.

Allele frequency attached by ClinVar (database versions not stated): gnomAD exomes below 0.00001.

Submissions (3):

Ambry Genetics
Classification: Pathogenic for Hereditary cancer-predisposing syndrome. Last evaluated: 2022-02-11. Review status: criteria provided, single submitter. Criteria: Ambry Variant Classification Scheme 2023. Collection method: clinical testing. Allele origin: germline.
Comment: The c.2888_2889delCT pathogenic mutation, located in coding exon 17 of the DICER1 gene, results from a deletion of two nucleotides at nucleotide positions 2888 to 2889, causing a translational frameshift with a predicted alternate stop codon (p.P963Rfs*3). This mutation was detected in an individual with pleuropulmonary blastoma and embryonal rhabdomyosarcoma (Brenneman M et al. F1000Res, 2015 Jul;4:214). In addition to the clinical data presented in the literature, this alteration is expected to result in loss of function by premature protein truncation or nonsense-mediated mRNA decay. As such, this alteration is interpreted as a disease-causing mutation.

Foulkes Cancer Genetics LDI, Lady Davis Institute for Medical Research
Classification: Pathogenic for Pleuropulmonary blastoma. Last evaluated: 2019-07-01. Review status: criteria provided, single submitter. Criteria: ACMG Guidelines, 2015. Collection method: curation. Allele origin: germline. Affected: yes. Observed: 1 variant allele.
Comment: ACMG criteria met: PVS1, PM2, PP4

International Pleuropulmonary Blastoma Registry, Children's Hospitals and Clinics of Minnesota
Classification: Pathogenic for Pleuropulmonary blastoma. Last evaluated: 2014-11-10. Review status: criteria provided, single submitter. Criteria: Hill et al. (Science. 2009). Collection method: clinical testing. Allele origin: germline. Affected: yes. Study: PPB-DICER1 Genetic study.

Literature cited by the submitters: PubMed 26925222 (cited by 3 submitters).

NM_177438.3(DICER1):c.2888_2889del (p.Pro963fs)

Gene: DICER1 (dicer 1, ribonuclease III; minus strand). Cytogenetic location: 14q32.13.
Variant type: Deletion.
Coding change: c.2888_2889del on transcript NM_177438.3 (MANE Select); coding-DNA positions 2888 to 2889, 2 bases deleted (CT; older notation c.2888_2889delCT).
Protein change: p.Pro963fs; shifts the reading frame from proline 963.
Molecular consequence: frameshift variant.
Genome position (GRCh38, 1-based): chr14:95,106,139-95,106,140, AG deleted on the plus strand (CT on the coding strand, the reverse complement: DICER1 is on the minus strand). VCF-style (leftmost placement, unchanged base first): chr14-95106138-CAG-C. GRCh37 (hg19) VCF-style: chr14-95572475-CAG-C.
Other names: c.2888_2889delCT (NM_177438.2); c.2888_2889del, p.Pro963fs (NM_001195573.1, NM_001271282.3, NM_001291628.2 and 1 more transcripts); short protein forms P963fs.
Identifiers: ClinVar variation 254314 (VCV000254314.8), dbSNP rs886037695, ClinGen allele CA10586436.